The following is an entry in ClinVar:

ClinVar aggregate classification (germline): Uncertain significance. Review status: criteria provided, multiple submitters, no conflicts (2 of 4 stars). 2 submissions from 2 submitters: Uncertain significance (2). Last evaluated 2021-05-06.

Conditions:
KBG syndrome (KBGS). Also called: ANKRD11-Related KBG Syndrome. Identifiers: Orphanet 2332, MedGen C0220687, MONDO:0007846, OMIM 148050.

Submissions (2):

Victorian Clinical Genetics Services, Murdoch Childrens Research Institute
Classification: Uncertain significance for KBG syndrome. Last evaluated: 2021-05-06. Review status: criteria provided, single submitter. Criteria: ACMG Guidelines, 2015. Collection method: clinical testing. Allele origin: germline. Inheritance: Autosomal dominant inheritance. Affected: yes.
Comment: Based on the classification scheme VCGS_Germline_v1.3.4, this variant is classified as VUS-3B. Following criteria are met: 0102 - Loss of function is a known mechanism of disease in this gene and is associated with KBG syndrome (MIM#148050). (I) 0107 - This gene is associated with autosomal dominant disease. (I) 0115 - Variants in this gene are known to have variable expressivity. (I) 0212 - Non-canonical splice site variant without proven consequence on splicing (no functional evidence available). (SP) 0251 - This variant is heterozygous. (I) 0301 - Variant is absent from gnomAD (v2 and v3). (SP) 0508 - In silico predictions for abnormal splicing are conflicting. (I) 0705 - No comparable splice site variants have previous evidence for pathogenicity. (I) 0809 - Previous evidence of pathogenicity for this variant is inconclusive. This variant has been reported as a VUS in ClinVar, no condition provided. (I) 0905 - No published segregation evidence has been identified for this variant. (I) 1007 - No published functional evidence has been identified for this variant. (I) 1208 - Inheritance information for this variant is not currently available in this individual. (I) Legend: (SP) - Supporting pathogenic, (I) - Information, (SB) - Supporting benign

GeneDx
Classification: Uncertain significance. Last evaluated: 2017-11-16. Review status: criteria provided, single submitter. Criteria: GeneDx Variant Classification (06012015). Collection method: clinical testing. Allele origin: germline. Affected: yes.
Comment: The c.7470+5 G>T variant has not been published as a pathogenic variant, nor has it been reported as a benign variant to our knowledge. The c.7470+5 G>T variant is not observed in large population cohorts (Lek et al., 2016). Several in silico splice prediction models predict that c.7470+5 G>T may damage or destroy the natural donor site and lead to abnormal gene splicing. However, in the absence of RNA/functional studies, the actual effect of this sequence change in this individual is unknown. Therefore, based on the currently available information, it is unclear whether this variant is a pathogenic variant or a rare benign variant.

NM_013275.6(ANKRD11):c.7470+5G>T

Gene: ANKRD11 (ankyrin repeat domain 11; minus strand). Cytogenetic location: 16q24.3.
Variant type: single nucleotide variant.
Coding change: c.7470+5G>T on transcript NM_013275.6 (MANE Select); 5 bases into the intron after coding-DNA position 7470, G replaced by T.
Molecular consequence: intron variant.
Genome position (GRCh38, 1-based): chr16:89,279,067, C>A on the plus strand (G>T on the coding strand, the complement: ANKRD11 is on the minus strand). VCF-style: chr16-89279067-C-A. GRCh37 (hg19) VCF-style: chr16-89345475-C-A.
Other names: c.7470+5G>T (NM_001256183.2, NM_001256182.2).
Identifiers: ClinVar variation 489094 (VCV000489094.3), dbSNP rs1555524784, ClinGen allele CA658683973.